The following is an entry in ClinVar:

NM_000138.5(FBN1):c.442+1G>A

Gene: FBN1 (fibrillin 1; minus strand). Cytogenetic location: 15q21.1.
Variant type: single nucleotide variant.
Coding change: c.442+1G>A on transcript NM_000138.5 (MANE Select); the canonical splice donor site of the intron after coding-DNA position 442, G replaced by A.
Molecular consequence: splice donor variant.
Genome position (GRCh38, 1-based): chr15:48,600,138, C>T on the plus strand (G>A on the coding strand, the complement: FBN1 is on the minus strand). VCF-style: chr15-48600138-C-T. GRCh37 (hg19) VCF-style: chr15-48892335-C-T.
Other names: c.442+1G>A (NM_001406716.1, NM_001406717.1).
Identifiers: ClinVar variation 546550 (VCV000546550.22), dbSNP rs868403743, ClinGen allele CA270052128.
Genomic context (GRCh38, chr15:48,600,138, plus strand): 5'-TTATTCTACTTGTCTACAAACAGGTTAACATCTAGAATACTTATAACTACAGTGTACTTA[C>T]GTTGTCCACAGTGAGTCCCTATGTATCCTTTCTGGCATAGACAGTGATCGTCACTGCAGC-3'

ClinVar aggregate classification (germline): Conflicting classifications of pathogenicity. Review status: criteria provided, conflicting classifications (1 of 4 stars). 7 submissions from 7 submitters: Likely pathogenic (4); Uncertain significance (3). Last evaluated 2026-01-04.

Conditions:
Familial thoracic aortic aneurysm and aortic dissection (TAAD). Also called: Thoracic aortic aneurysms and dissections. Identifiers: Orphanet 91387, MedGen C4707243, MONDO:0019625.
Geleophysic dysplasia 2 (GPHYSD2). Identifiers: Orphanet 2623, MedGen C3280054, MONDO:0013612, OMIM 614185.
Weill-Marchesani syndrome 2, dominant. Also called: FBN1-Related Weill-Marchesani Syndrome; Weill-Marchesani Syndrome, Autosomal Dominant. Identifiers: Orphanet 2084, MedGen C1869115, MONDO:0012013, OMIM 608328.
MASS syndrome (OCTD). Also called: MASS PHENOTYPE; OVERLAP CONNECTIVE TISSUE DISEASE. Identifiers: MedGen C1858556, MONDO:0011431, OMIM 604308.
Ectopia lentis 1, isolated, autosomal dominant (ECTOL1). Identifiers: Orphanet 1885, MedGen C3541518, MONDO:0007514, OMIM 129600.
Progeroid and marfanoid aspect-lipodystrophy syndrome. Also called: MARFANOID-PROGEROID-LIPODYSTROPHY SYNDROME; MARFANOID-PROGEROID SYNDROME; MARFAN-PROGEROID-LIPODYSTROPHY SYNDROME; Marfan lipodystrophy syndrome. Identifiers: Orphanet 300382, MedGen C4310796, MONDO:0014831, OMIM 616914.
Acromicric dysplasia (ACMICD). Also called: Acromicric skeletal dysplasia. Identifiers: Orphanet 969, MedGen C0265287, MONDO:0007055, OMIM 102370.
Marfan syndrome (MFS). Also called: MARFAN SYNDROME, TYPE I; Marfan's syndrome; Marfan syndrome type 1; Marfan syndrome, classic; FBN1-Related Marfan Syndrome. Identifiers: Orphanet 284963, Orphanet 558, MedGen C0024796, MONDO:0007947, OMIM 154700.
Stiff skin syndrome (SSKS). Identifiers: Orphanet 2833, MedGen C1861456, MONDO:0008492, OMIM 184900.

Allele frequency attached by ClinVar (database versions not stated): gnomAD exomes 0.00001; TOPMed 0.00002; gnomAD 0.00003.
gnomAD v4.1: 10 of 1,599,030 alleles (0.00063%); highest among the groups gnomAD compares: Non-Finnish European, 0.00077%; no homozygotes.

Submissions (7):

Labcorp Genetics (formerly Invitae), Labcorp
Classification: Likely pathogenic for Marfan syndrome; Familial thoracic aortic aneurysm and aortic dissection. Last evaluated: 2026-01-04. Review status: criteria provided, single submitter. Criteria: Invitae Variant Classification Sherloc (09022015). Collection method: clinical testing. Allele origin: germline.
Comment: This sequence change affects a donor splice site in intron 5 of the FBN1 gene. It is expected to disrupt RNA splicing. Variants that disrupt the donor or acceptor splice site typically lead to a loss of protein function (PMID: 16199547), and loss-of-function variants in FBN1 are known to be pathogenic (PMID: 17657824, 19293843). This variant is present in population databases (no rsID available, gnomAD 0.0008%). Disruption of this splice site has been observed in individual(s) with sudden cardiac death (PMID: 31727422). ClinVar contains an entry for this variant (Variation ID: 546550). Algorithms developed to predict the effect of sequence changes on RNA splicing suggest that this variant may disrupt the consensus splice site. In summary, the currently available evidence indicates that the variant is pathogenic, but additional data are needed to prove that conclusively. Therefore, this variant has been classified as Likely Pathogenic.

GeneDx
Classification: Likely pathogenic. Last evaluated: 2025-12-23. Review status: criteria provided, single submitter. Criteria: GeneDx Variant Classification Process June 2021. Collection method: clinical testing. Allele origin: germline. Affected: yes.
Comment: Canonical splice site variant demonstrated to result in an in-frame loss of the adjacent exon in a gene for which loss of function is a known mechanism of disease (PMID: 32123317); Identified in an individual with sudden cardiac death and a history of atherosclerotic cardiovascular disease (PMID: 31727422); Not observed at significant frequency in large population cohorts (gnomAD); This variant is associated with the following publications: (PMID: 32123317, 33087929, 31727422)

Ambry Genetics
Classification: Uncertain significance for Familial thoracic aortic aneurysm and aortic dissection. Last evaluated: 2025-04-22. Review status: criteria provided, single submitter. Criteria: Ambry Variant Classification Scheme 2023. Collection method: clinical testing. Allele origin: germline.
Comment: The c.442+1G>A intronic variant results from a G to A substitution one nucleotide after coding exon 4 of the FBN1 gene. Alterations that disrupt the canonical splice site are expected to cause aberrant splicing. In silico splice site analysis predicts that this alteration will weaken the native splice donor site. A resulting transcript is predicted to be in-frame and is not expected to trigger nonsense-mediated mRNAdecay. RNA studies by one group have demonstrated that this alteration results in abnormal splicing resulting in an in-frame consequence (Wai HA et al. Genet Med, 2020 Jun;22:1005-1014). This nucleotide position is highly conserved in available vertebrate species. Based on the available evidence, the clinical significance of this variant remains unclear.

Color Diagnostics, LLC DBA Color Health
Classification: Likely pathogenic for Familial thoracic aortic aneurysm and aortic dissection. Last evaluated: 2024-06-05. Review status: criteria provided, single submitter. Criteria: ACMG Guidelines, 2015. Collection method: clinical testing. Allele origin: germline.
Comment: This variant causes a G to A nucleotide substitution at the +1 position of intron 5 of the FBN1 gene. Splice site prediction tools predict that this variant may have a significant impact on RNA splicing. A functional RNA study using blood samples from carrier individuals has shown that this variant causes an in-frame skipping of exon 5 and replaces it with a threonine residue (c.347_442del, p.Ile116_Pro148delinsThr), creating a shortened protein product lacking the EGF-like motif 2 (a.a. 115 - 146). This variant has been reported in one individual affected with atherosclerotic cardiovascular disease and sudden cardiac death (PMID: 31727422). This variant has been identified in 1/282556 chromosomes in the general population by the Genome Aggregation Database (gnomAD). Loss of FBN1 function is a known mechanism of disease. Based on the available evidence, this variant is classified as Likely Pathogenic.

Fulgent Genetics
Classification: Likely pathogenic for Acromicric dysplasia; Ectopia lentis 1, isolated, autosomal dominant; Marfan syndrome; Stiff skin syndrome; MASS syndrome; Weill-Marchesani syndrome 2, dominant; Geleophysic dysplasia 2; Progeroid and marfanoid aspect-lipodystrophy syndrome. Last evaluated: 2021-10-29. Review status: criteria provided, single submitter. Criteria: ACMG Guidelines, 2015. Collection method: clinical testing. Allele origin: unknown.

Laboratory for Molecular Medicine, Mass General Brigham Personalized Medicine
Classification: Uncertain significance. Last evaluated: 2019-09-11. Review status: criteria provided, single submitter. Criteria: ACMG Guidelines, 2015. Collection method: clinical testing. Allele origin: germline.
Comment: The c.442+1G>A variant in FBN1 has been identified in 1 individual with Marfan syndrome who also had an additional pathogenic variant in FBN1 that segregated with disease in 2 affected siblings (Invitae pers. comm.). It has also been identified in 1/128936 European chromosomes by gnomAD and reported by other clinical laboratories in ClinVar (Variation ID #546550). This variant occurs in the invariant region (+/- 1,2) of the splice consensus sequence and is predicted to cause altered splicing leading to an abnormal or absent protein. However, exon 4 is in frame and consists of only 96 base pairs and encodes less than 10% of the FBN1 protein. In summary, the clinical significance of this variant is uncertain. ACMG/AMP Criteria applied: PVS1_Moderate, BP2.

Juno Genomics, Hangzhou Juno Genomics, Inc
Classification: Uncertain significance for Acromicric dysplasia; Ectopia lentis 1, isolated, autosomal dominant; Geleophysic dysplasia 2; Progeroid and marfanoid aspect-lipodystrophy syndrome; Marfan syndrome; MASS syndrome; Stiff skin syndrome; Weill-Marchesani syndrome 2, dominant. Review status: criteria provided, single submitter. Criteria: ACMG Guidelines, 2015. Collection method: clinical testing. Allele origin: germline.
Comment: Null variant in a gene where loss of function (LOF) is a known mechanism of disease.;Absent from controls (or at extremely low frequency if recessive) in Genome Aggregation Database.

Literature cited by the submitters: PubMed 16199547 (cited by Labcorp Genetics (formerly Invitae), Labcorp); PubMed 17657824 (cited by Labcorp Genetics (formerly Invitae), Labcorp); PubMed 19293843 (cited by Labcorp Genetics (formerly Invitae), Labcorp); PubMed 31727422 (cited by 3 submitters); PubMed 32123317 (cited by Ambry Genetics); PubMed 33087929 (cited by Ambry Genetics).